The following is an entry in ClinVar:

NM_006014.5(LAGE3):c.32G>T (p.Gly11Val)

Genes: LAGE3 (L antigen family member 3; minus strand), LOC130068876 (ATAC-STARR-seq lymphoblastoid silent region 21109; plus strand). Cytogenetic location: Xq28.
Variant type: single nucleotide variant.
Coding change: c.32G>T on transcript NM_006014.5 (MANE Select); coding-DNA position 32, G replaced by T.
Protein change: p.Gly11Val; replaces glycine 11 with valine.
Molecular consequence: missense variant.
Genome position (GRCh38, 1-based): chrX:154,478,884, C>A on the plus strand (G>T on the coding strand, the complement: LAGE3 is on the minus strand). VCF-style: chrX-154478884-C-A. GRCh37 (hg19) VCF-style: chrX-153707223-C-A.
Other names: short protein forms G11V.
Identifiers: ClinVar variation 3025706 (VCV003025706.22), dbSNP rs1025038377, ClinGen allele CA337290750.

ClinVar aggregate classification (germline): Uncertain significance (1 of 4 stars; one submission).

Allele frequency attached by ClinVar (database versions not stated): TOPMed 0.00002; gnomAD 0.00004.
gnomAD v4.1: 13 of 1,005,133 alleles (0.0013%); highest among the groups gnomAD compares: Non-Finnish European, 0.0015%; no homozygotes.

Submission:

CeGaT Center for Human Genetics Tuebingen
Classification: Uncertain significance. Last evaluated: 2024-01-01. Review status: criteria provided, single submitter. Criteria: CeGaT Center For Human Genetics Tuebingen Variant Classification Criteria Version 2. Collection method: clinical testing. Allele origin: germline. Affected: yes. Observed: 1 variant allele.
Comment: LAGE3: PM2